The following is an entry in ClinVar:

ClinVar aggregate classification (germline): Conflicting classifications of pathogenicity. Review status: criteria provided, conflicting classifications (1 of 4 stars). 18 submissions from 18 submitters: Uncertain significance (9); Benign (1); Likely benign (4). 4 of the submissions do not count toward it. Last evaluated 2026-01-06.

Conditions:
Breast neoplasm. Also called: Neoplasm of the breast; Neoplasm of breast; Breast tumor; Breast Neoplasms. Identifiers: MedGen C1458155, MeSH D001943, MONDO:0021100, HP:0100013. Disease mechanism: gain of function.
Breast and/or ovarian cancer. Identifiers: MedGen CN221562.
Malignant tumor of breast. Also called: Cancer breast; Malignant breast neoplasm. Identifiers: MedGen C0006142, MONDO:0007254. Disease mechanism: loss of function.
Hereditary cancer-predisposing syndrome. Also called: Hereditary Cancer Syndrome; Hereditary neoplastic syndrome; Neoplastic Syndromes, Hereditary; Tumor predisposition. Identifiers: Orphanet 140162, MedGen C0027672, MeSH D009386, MONDO:0015356.
Breast-ovarian cancer, familial, susceptibility to, 1 (BROVCA1). Also called: BRCA1 Hereditary Breast and Ovarian Cancer; OVARIAN CANCER, SUSCEPTIBILITY TO. Identifiers: Orphanet 145, MedGen C2676676, MONDO:0011450, OMIM 604370. Disease mechanism: loss of function.
Hereditary breast ovarian cancer syndrome. Also called: BRCA1- and BRCA2-Associated Hereditary Breast and Ovarian Cancer; Hereditary breast and ovarian cancer syndrome; Hereditary breast and ovarian cancer syndrome (HBOC); Breast and ovarian cancer; Hereditary breast and/or ovarian cancer syndrome; Hereditary breast and ovarian cancer. Identifiers: Orphanet 145, MedGen C0677776, MeSH D061325, MONDO:0003582. Disease mechanism: loss of function.

Allele frequency attached by ClinVar (database versions not stated): gnomAD 0.00001; TOPMed 0.00001; gnomAD exomes 0.00001 and below 0.00001.
gnomAD v4.1: 11 of 1,614,046 alleles (0.00068%); highest among the groups gnomAD compares: Non-Finnish European, 0.00085%; no homozygotes.

Submissions 1 to 13 of 18:

Labcorp Genetics (formerly Invitae), Labcorp
Classification: Uncertain significance for Hereditary breast ovarian cancer syndrome. Last evaluated: 2026-01-06. Review status: criteria provided, single submitter. Criteria: Invitae Variant Classification Sherloc (09022015). Collection method: clinical testing. Allele origin: germline.
Comment: This sequence change replaces isoleucine, which is neutral and non-polar, with methionine, which is neutral and non-polar, at codon 1237 of the BRCA1 protein (p.Ile1237Met). This variant is present in population databases (rs80357388, gnomAD 0.0009%). This missense change has been observed in individual(s) with papillary serous carcinoma of the peritoneum and personal and/or family history of breast and/or ovarian cancer (PMID: 10728699, 24884479, 25896959, 27062684). This variant is also known as 3830A>G. ClinVar contains an entry for this variant (Variation ID: 54973). Invitae Evidence Modeling of protein sequence and biophysical properties (such as structural, functional, and spatial information, amino acid conservation, physicochemical variation, residue mobility, and thermodynamic stability) indicates that this missense variant is not expected to disrupt BRCA1 protein function with a negative predictive value of 80%. Experimental studies have shown that this missense change does not substantially affect BRCA1 function (PMID: 32546644). In summary, the available evidence is currently insufficient to determine the role of this variant in disease. Therefore, it has been classified as a Variant of Uncertain Significance.

Women's Health and Genetics/Laboratory Corporation of America, LabCorp
Classification: Uncertain significance. Last evaluated: 2025-10-23. Review status: criteria provided, single submitter. Criteria: LabCorp Variant Classification Summary - May 2015. Collection method: clinical testing. Allele origin: germline.
Comment: Variant summary: BRCA1 c.3711A>G (p.Ile1237Met) results in a conservative amino acid change in the encoded protein sequence. Algorithms developed to predict the effect of missense changes on protein structure and function all suggest that this variant is likely to be tolerated. The variant allele was found at a frequency of 4e-06 in 251284 control chromosomes. The available data on variant occurrences in the general population are insufficient to allow any conclusion about variant significance. c.3711A>G has been reported in individuals affected with and/or undergoing testing for a variety of cancers (Dargenio_2015, Schorge_2000, Silva_2014, Azzollini_2016, Fountzilas_2018). These report(s) do not provide unequivocal conclusions about association of the variant with Hereditary Breast And Ovarian Cancer Syndrome. At least one publication reports experimental evidence evaluating an impact on protein function (Bouwman_2020). These results showed no damaging effect of this variant on ability to complement BRCA1-deficient mouse embryonic stem cells in homologous recombination DNA repair (HRR) using cisplatin and olaparib sensitivity assays and a direct GFP HRR assay. The following publications have been ascertained in the context of this evaluation (PMID: 24884479, 10728699, 25896959, 28857155, 27062684, 32546644). ClinVar contains an entry for this variant (Variation ID: 54973). Based on the evidence outlined above, the variant was classified as VUS-possibly benign.

Institute for Biomarker Research, Medical Diagnostic Laboratories, L.L.C.
Classification: Uncertain significance for Hereditary breast ovarian cancer syndrome. Last evaluated: 2025-02-25. Review status: criteria provided, single submitter. Criteria: ACMG Guidelines, 2015. Collection method: clinical testing. Allele origin: germline.
Comment: The missense variant NM_007294.4(BRCA1):c.3711A>G (p.Ile1237Met) has not been reported previously as a pathogenic variant, to our knowledge. There is a small physicochemical difference between isoleucine and methionine, which is not likely to impact secondary protein structure as these residues share similar properties. The gene BRCA1 has a low rate of benign missense variation as indicated by a high missense variants Z-Score of 2.32. The gene BRCA1 contains 259 pathogenic missense variants, indicating that missense variants are a common mechanism of disease in this gene. For these reasons, this variant has been classified as Uncertain Significance.

Blueprint Genetics
Classification: Likely benign. Last evaluated: 2024-10-14. Review status: criteria provided, single submitter. Criteria: ACMG Guidelines, 2015. Collection method: clinical testing. Allele origin: germline.

Molecular Pathology, Peter Maccallum Cancer Centre
Classification: Benign for Breast-ovarian cancer, familial, susceptibility to, 1. Last evaluated: 2024-08-26. Review status: criteria provided, single submitter. Criteria: ACMG Guidelines, 2015. Collection method: clinical testing. Allele origin: germline. Inheritance: Autosomal dominant inheritance.

GeneDx
Classification: Uncertain significance. Last evaluated: 2024-05-02. Review status: criteria provided, single submitter. Criteria: GeneDx Variant Classification Process June 2021. Collection method: clinical testing. Allele origin: germline. Affected: yes.
Comment: Observed in individuals with personal or family history of breast or ovarian cancer (PMID: 27062684, 32806537, 25896959, 10728699, 24884479); Not observed at significant frequency in large population cohorts (gnomAD); In silico analysis indicates that this missense variant does not alter protein structure/function; Also known as 3830A>G; This variant is associated with the following publications: (PMID: 25896959, 24884479, 10923033, 23704879, 28857155, 10728699, 27062684, 32546644, 23469205, 31911673, 32806537)

University of Washington Department of Laboratory Medicine, University of Washington
Classification: Likely benign for Hereditary cancer-predisposing syndrome. Last evaluated: 2023-03-23. Review status: criteria provided, single submitter. Criteria: Dines et al. (Genet Med. 2020). Collection method: curation. Allele origin: germline.
Comment: Missense variant in a coldspot region where missense variants are very unlikely to be pathogenic (PMID:31911673).

BRCA1 coldspot (exon 11 using historical exon numbering). Reclassification based on statistical prior probability

Mendelics
Classification: Uncertain significance. Last evaluated: 2022-05-04. Review status: criteria provided, single submitter. Criteria: Mendelics Assertion Criteria 2019. Collection method: clinical testing. Allele origin: germline.

CHEO Genetics Diagnostic Laboratory, Children's Hospital of Eastern Ontario
Classification: Uncertain significance for Breast and/or ovarian cancer. Last evaluated: 2021-10-20. Review status: criteria provided, single submitter. Criteria: ACMG Guidelines, 2015. Collection method: clinical testing. Allele origin: germline.

Quest Diagnostics Nichols Institute San Juan Capistrano
Classification: Uncertain significance. Last evaluated: 2019-09-28. Review status: criteria provided, single submitter. Criteria: Quest Diagnostics criteria. Collection method: clinical testing. Allele origin: unknown.

Ambry Genetics
Classification: Likely benign for Hereditary cancer-predisposing syndrome. Last evaluated: 2018-06-08. Review status: criteria provided, single submitter. Criteria: Ambry Variant Classification Scheme 2023. Collection method: clinical testing. Allele origin: germline.

Illumina Laboratory Services, Illumina
Classification: Uncertain significance for Breast-ovarian cancer, familial, susceptibility to, 1. Last evaluated: 2018-01-13. Review status: criteria provided, single submitter. Criteria: ICSL Variant Classification Criteria 13 December 2019. Collection method: clinical testing. Allele origin: germline.

Color Diagnostics, LLC DBA Color Health
Classification: Likely benign for Hereditary cancer-predisposing syndrome. Last evaluated: 2016-08-31. Review status: criteria provided, single submitter. Criteria: ACMG Guidelines, 2015. Collection method: clinical testing. Allele origin: germline.

NM_007294.4(BRCA1):c.3711A>G (p.Ile1237Met)

Genes: BRCA1 (BRCA1 DNA repair associated; minus strand), LOC126862571 (BRD4-independent group 4 enhancer GRCh37_chr17:41243136-41244335; plus strand). Cytogenetic location: 17q21.31.
Variant type: single nucleotide variant.
Coding change: c.3711A>G on transcript NM_007294.4 (MANE Select); coding-DNA position 3711, A replaced by G.
Protein change: p.Ile1237Met; replaces isoleucine 1237 with methionine.
Molecular consequence: missense variant. On other transcripts: intron variant (135).
Genome position (GRCh38, 1-based): chr17:43,091,820, T>C on the plus strand (A>G on the coding strand, the complement: BRCA1 is on the minus strand). VCF-style: chr17-43091820-T-C. GRCh37 (hg19) VCF-style: chr17-41243837-T-C.
Other names: c.3498A>G, p.Ile1166Met (NM_001407571.1, NM_001407853.1, NM_001407894.1 and 9 more transcripts); c.3711A>G, p.Ile1237Met (NM_001407581.1, NM_001407582.1, NM_001407583.1 and 30 more transcripts); c.3708A>G, p.Ile1236Met (NM_001407587.1, NM_001407590.1, NM_001407591.1 and 22 more transcripts); c.3702A>G, p.Ile1234Met (NM_001407646.1, NM_001407647.1); c.3588A>G, p.Ile1196Met (NM_001407648.1, NM_001407664.1, NM_001407665.1 and 19 more transcripts); c.3585A>G, p.Ile1195Met (NM_001407649.1, NM_001407670.1, NM_001407671.1 and 11 more transcripts); c.3633A>G, p.Ile1211Met (NM_001407653.1, NM_001407654.1, NM_001407655.1 and 4 more transcripts); c.3630A>G, p.Ile1210Met (NM_001407659.1, NM_001407660.1, NM_001407661.1 and 1 more transcripts); and 41 more; short protein forms I1237M, I1190M, I1109M, I1110M, I1149M, I1167M, I1170M, I1195M.
Identifiers: ClinVar variation 54973 (VCV000054973.38), dbSNP rs80357388, ClinGen allele CA002380.